The following is an entry in ClinVar:

ClinVar aggregate classification (germline): Uncertain significance (1 of 4 stars; one submission).

Allele frequency attached by ClinVar (database versions not stated): gnomAD exomes below 0.00001; TOPMed below 0.00001; gnomAD 0.00001.
gnomAD v4.1: 3 of 1,613,966 alleles (0.00019%); highest among the groups gnomAD compares: African/African-American, 0.0013%; no homozygotes.

Submission:

Labcorp Genetics (formerly Invitae), Labcorp
Classification: Uncertain significance. Last evaluated: 2022-08-27. Review status: criteria provided, single submitter. Criteria: Invitae Variant Classification Sherloc (09022015). Collection method: clinical testing. Allele origin: germline.
Comment: This sequence change replaces threonine, which is neutral and polar, with isoleucine, which is neutral and non-polar, at codon 704 of the INTU protein (p.Thr704Ile). This variant is present in population databases (no rsID available, gnomAD 0.01%). This variant has not been reported in the literature in individuals affected with INTU-related conditions. Algorithms developed to predict the effect of missense changes on protein structure and function (SIFT, PolyPhen-2, Align-GVGD) all suggest that this variant is likely to be tolerated. In summary, the available evidence is currently insufficient to determine the role of this variant in disease. Therefore, it has been classified as a Variant of Uncertain Significance.

NM_015693.4(INTU):c.2111C>T (p.Thr704Ile)

Gene: INTU (inturned planar cell polarity protein; plus strand). Cytogenetic location: 4q28.1.
Variant type: single nucleotide variant.
Coding change: c.2111C>T on transcript NM_015693.4 (MANE Select); coding-DNA position 2111, C replaced by T.
Protein change: p.Thr704Ile; replaces threonine 704 with isoleucine.
Molecular consequence: missense variant.
Genome position (GRCh38, 1-based): chr4:127,706,809, C>T. VCF-style: chr4-127706809-C-T. GRCh37 (hg19) VCF-style: chr4-128627964-C-T.
Other names: short protein forms T704I.
Identifiers: ClinVar variation 2188885 (VCV002188885.4), dbSNP rs1329604722, ClinGen allele CA358138561.